The following is an entry in ClinVar:

NM_015102.5(NPHP4):c.4141G>A (p.Val1381Ile)

Gene: NPHP4 (nephrocystin 4; minus strand). Cytogenetic location: 1p36.31.
Variant type: single nucleotide variant.
Coding change: c.4141G>A on transcript NM_015102.5 (MANE Select); coding-DNA position 4141, G replaced by A.
Protein change: p.Val1381Ile; replaces valine 1381 with isoleucine.
Molecular consequence: missense variant. On other transcripts: non-coding transcript variant (1).
Genome position (GRCh38, 1-based): chr1:5,863,405, C>T on the plus strand (G>A on the coding strand, the complement: NPHP4 is on the minus strand). VCF-style: chr1-5863405-C-T. GRCh37 (hg19) VCF-style: chr1-5923465-C-T.
Other names: c.2602G>A, p.Val868Ile (NM_001291593.2); c.2605G>A, p.Val869Ile (NM_001291594.2); short protein forms V868I, V1381I, V869I.
Identifiers: ClinVar variation 2114320 (VCV002114320.4), dbSNP rs754200988, ClinGen allele CA553316.

ClinVar aggregate classification (germline): Uncertain significance (1 of 4 stars; one submission).

Conditions:
Nephronophthisis. Also called: Juvenile Nephronophthisis. Identifiers: Orphanet 655, MedGen C0687120, MONDO:0019005, HP:0000090.

Allele frequency attached by ClinVar (database versions not stated): ExAC 0.00001.

Submission:

Labcorp Genetics (formerly Invitae), Labcorp
Classification: Uncertain significance for Nephronophthisis. Last evaluated: 2022-03-27. Review status: criteria provided, single submitter. Criteria: Invitae Variant Classification Sherloc (09022015). Collection method: clinical testing. Allele origin: germline.
Comment: Algorithms developed to predict the effect of missense changes on protein structure and function output the following: SIFT: "Tolerated"; PolyPhen-2: "Benign"; Align-GVGD: "Class C0". The isoleucine amino acid residue is found in multiple mammalian species, which suggests that this missense change does not adversely affect protein function. This sequence change replaces valine, which is neutral and non-polar, with isoleucine, which is neutral and non-polar, at codon 1381 of the NPHP4 protein (p.Val1381Ile). The frequency data for this variant in the population databases is considered unreliable, as metrics indicate poor data quality at this position in the gnomAD database. This variant has not been reported in the literature in individuals affected with NPHP4-related conditions. In summary, the available evidence is currently insufficient to determine the role of this variant in disease. Therefore, it has been classified as a Variant of Uncertain Significance.